The following is an entry in ClinVar:

ClinVar aggregate classification (germline): Uncertain significance. Review status: criteria provided, multiple submitters, no conflicts (2 of 4 stars). 2 submissions from 2 submitters: Uncertain significance (2). Last evaluated 2024-07-22.

Conditions:
Mitochondrial complex I deficiency, nuclear type 1. Also called: NADH-COENZYME Q REDUCTASE DEFICIENCY; MITOCHONDRIAL NADH DEHYDROGENASE COMPONENT OF COMPLEX I, DEFICIENCY OF. Identifiers: MedGen C6022305, MONDO:0100224, OMIM 252010.

Allele frequency attached by ClinVar (database versions not stated): ExAC 0.00001; gnomAD 0.00001; TOPMed 0.00002; gnomAD exomes 0.00003 and 0.00004.
gnomAD v4.1: 55 of 1,614,056 alleles (0.0034%); highest among the groups gnomAD compares: Admixed American, 0.0067%; no homozygotes.

Submissions (2):

Labcorp Genetics (formerly Invitae), Labcorp
Classification: Uncertain significance. Last evaluated: 2024-07-22. Review status: criteria provided, single submitter. Criteria: Invitae Variant Classification Sherloc (09022015). Collection method: clinical testing. Allele origin: germline.
Comment: This sequence change replaces asparagine, which is neutral and polar, with serine, which is neutral and polar, at codon 234 of the NDUFAF1 protein (p.Asn234Ser). This variant is present in population databases (rs759432475, gnomAD 0.01%). This variant has not been reported in the literature in individuals affected with NDUFAF1-related conditions. ClinVar contains an entry for this variant (Variation ID: 887952). Advanced modeling of protein sequence and biophysical properties (such as structural, functional, and spatial information, amino acid conservation, physicochemical variation, residue mobility, and thermodynamic stability) performed at Invitae indicates that this missense variant is not expected to disrupt NDUFAF1 protein function with a negative predictive value of 80%. In summary, the available evidence is currently insufficient to determine the role of this variant in disease. Therefore, it has been classified as a Variant of Uncertain Significance.

Illumina Laboratory Services, Illumina
Classification: Uncertain significance for Mitochondrial complex I deficiency, nuclear type 1. Last evaluated: 2018-01-13. Review status: criteria provided, single submitter. Criteria: ICSL Variant Classification Criteria 13 December 2019. Collection method: clinical testing. Allele origin: germline.

NM_016013.4(NDUFAF1):c.701A>G (p.Asn234Ser)

Gene: NDUFAF1 (NADH:ubiquinone oxidoreductase complex assembly factor 1; minus strand). Cytogenetic location: 15q15.1.
Variant type: single nucleotide variant.
Coding change: c.701A>G on transcript NM_016013.4 (MANE Select); coding-DNA position 701, A replaced by G.
Protein change: p.Asn234Ser; replaces asparagine 234 with serine.
Molecular consequence: missense variant. On other transcripts: non-coding transcript variant (1).
Genome position (GRCh38, 1-based): chr15:41,394,917, T>C on the plus strand (A>G on the coding strand, the complement: NDUFAF1 is on the minus strand). VCF-style: chr15-41394917-T-C. GRCh37 (hg19) VCF-style: chr15-41687115-T-C.
Other names: short protein forms N234S.
Identifiers: ClinVar variation 887952 (VCV000887952.11), dbSNP rs759432475, ClinGen allele CA7491275.
Genomic context (GRCh38, chr15:41,394,917, plus strand): 5'-ACCTTGACCTCCTGCCAGTAGGGTCCCCCGCGGGTGAACATGAAGTAACTATACATCTGA[T>C]TCGTCCTCTGGAAGAAATCTGTGTCCTCCTTGATATTCACCATCCAAGGCCGACCATCCC-3'
Protein context (NP_057097.2, residues 224-244): KEDTDFFQRT[Asn234Ser]QMYSYFMFTR